The following is an entry in ClinVar:

ClinVar aggregate classification (germline): Conflicting classifications of pathogenicity. Review status: criteria provided, conflicting classifications (1 of 4 stars). 4 submissions from 4 submitters: Uncertain significance (1); Likely benign (3). Last evaluated 2025-07-02.

Conditions:
Inborn genetic diseases. Identifiers: MedGen C0950123, MeSH D030342.

Allele frequency attached by ClinVar (database versions not stated): gnomAD 0.00001; TOPMed 0.00001.
gnomAD v4.1: 43 of 1,603,308 alleles (0.0027%); highest among the groups gnomAD compares: South Asian, 0.031%; 1 homozygote.

Submissions (4):

Ambry Genetics
Classification: Uncertain significance for Inborn genetic diseases. Last evaluated: 2025-07-02. Review status: criteria provided, single submitter. Criteria: Ambry Variant Classification Scheme 2023. Collection method: clinical testing. Allele origin: germline.

Athena Diagnostics
Classification: Likely benign. Last evaluated: 2024-12-31. Review status: criteria provided, single submitter. Criteria: Athena Diagnostics Criteria. Collection method: clinical testing. Allele origin: unknown.
Comment: The frequency of this variant in the general population is higher than would generally be expected for pathogenic variants in this gene. Computational tools predict this amino acid change may be benign.

Labcorp Genetics (formerly Invitae), Labcorp
Classification: Likely benign. Last evaluated: 2024-10-25. Review status: criteria provided, single submitter. Criteria: Invitae Variant Classification Sherloc (09022015). Collection method: clinical testing. Allele origin: germline.

Blueprint Genetics
Classification: Likely benign. Last evaluated: 2024-05-14. Review status: criteria provided, single submitter. Criteria: ACMG Guidelines, 2015. Collection method: clinical testing. Allele origin: germline.

NM_000435.3(NOTCH3):c.6701G>A (p.Arg2234His)

Gene: NOTCH3 (notch receptor 3; minus strand). Cytogenetic location: 19p13.12.
Variant type: single nucleotide variant.
Coding change: c.6701G>A on transcript NM_000435.3 (MANE Select); coding-DNA position 6701, G replaced by A.
Protein change: p.Arg2234His; replaces arginine 2234 with histidine.
Molecular consequence: missense variant.
Genome position (GRCh38, 1-based): chr19:15,160,927, C>T on the plus strand (G>A on the coding strand, the complement: NOTCH3 is on the minus strand). VCF-style: chr19-15160927-C-T. GRCh37 (hg19) VCF-style: chr19-15271738-C-T.
Other names: c.6701G>A (NM_000435.2); short protein forms R2234H.
Identifiers: ClinVar variation 1410158 (VCV001410158.9), dbSNP rs750631177, ClinGen allele CA9262317.
Genomic context (GRCh38, chr19:15,160,927, plus strand): 5'-TGCTCAGGGGATTCGGGGGATGGGGTCAGGTAAGGGTGCTCACTGGGAACCCGCAGGAAG[C>T]GGGCCTTTGGGGGGCTGCTGTGTGCCCCAGCCGCCGGGTACTCCTCGCCATGTCCTGGGA-3'
Protein context (NP_000426.2, residues 2224-2244): AGAHSSPPKA[Arg2234His]FLRVPSEHPY